The following is an entry in ClinVar:

NM_001378418.1(TCF20):c.3306_3308del (p.Gly1103del)

Gene: TCF20 (transcription factor 20; minus strand). Cytogenetic location: 22q13.2.
Variant type: Deletion.
Coding change: c.3306_3308del on transcript NM_001378418.1 (MANE Select); coding-DNA positions 3306 to 3308, 3 bases deleted (CGG; older notation c.3306_3308delCGG).
Protein change: p.Gly1103del; deletes glycine 1103.
Molecular consequence: inframe deletion.
Genome position (GRCh38, 1-based): chr22:42,211,998-42,212,000, CCG deleted on the plus strand (CGG on the coding strand, the reverse complement: TCF20 is on the minus strand); deleting any 3 consecutive bases within chr22:42,211,998-42,212,001 gives the same sequence; the c. name uses the placement nearest the transcript's 3' end. VCF-style (leftmost placement, unchanged base first): chr22-42211997-ACCG-A. GRCh37 (hg19) VCF-style: chr22-42608003-ACCG-A.
Other names: c.3306_3308del, p.Gly1103del (NM_005650.4, NM_181492.3); short protein forms G1103del.
Identifiers: ClinVar variation 4822549 (VCV004822549.4).

ClinVar aggregate classification (germline): Uncertain significance (1 of 4 stars; one submission).

Submission:

CeGaT Center for Human Genetics Tuebingen
Classification: Uncertain significance. Last evaluated: 2026-02-01. Review status: criteria provided, single submitter. Criteria: CeGaT Center For Human Genetics Tuebingen Variant Classification Criteria Version 2. Collection method: clinical testing. Allele origin: germline. Affected: yes. Observed: 1 variant allele.
Comment: TCF20: PM2, PM4:Supporting